The following is an entry in ClinVar:

ClinVar aggregate classification (germline): Conflicting classifications of pathogenicity. Review status: criteria provided, conflicting classifications (1 of 4 stars). 2 submissions from 2 submitters: Likely pathogenic (1); Uncertain significance (1). Last evaluated 2024-12-26.

Conditions:
Hereditary cancer-predisposing syndrome. Also called: Neoplastic Syndromes, Hereditary; Hereditary Cancer Syndrome; Hereditary neoplastic syndrome; Tumor predisposition. Identifiers: Orphanet 140162, MedGen C0027672, MeSH D009386, MONDO:0015356.
EGFR-related lung cancer (EGFR). Identifiers: MedGen CN130014.

Submissions (2):

Ambry Genetics
Classification: Uncertain significance for Hereditary cancer-predisposing syndrome. Last evaluated: 2024-12-26. Review status: criteria provided, single submitter. Criteria: Ambry Variant Classification Scheme 2023. Collection method: clinical testing. Allele origin: germline.
Comment: The c.1133+1G>A intronic variant results from a G to A substitution one nucleotide after coding exon 9 of the EGFR gene.This nucleotide position is highly conserved in available vertebrate species. In silico splice site analysis predicts that this alteration will weaken the native splice donor site and may result in the creation or strengthening of a novel splice donor site. Alterations that disrupt the canonical splice site are expected to cause aberrant splicing, resulting in an abnormal protein or a transcript that is subject to nonsense-mediated mRNA decay. Loss-of-function variants subject to nonsense mediated decay (NMD) in EGFR are known to cause EGFR-related neonatal inflammatory skin and bowel disease; however, such associations with EGFR-related lung cancer have not been reported. Based on the supporting evidence, this alteration is likely pathogenic for EGFR-related neonatal inflammatory skin and bowel disease; however, the association of this alteration with EGFR-related lung cancer is unknown.

Labcorp Genetics (formerly Invitae), Labcorp
Classification: Likely pathogenic for EGFR-related lung cancer. Last evaluated: 2021-09-27. Review status: criteria provided, single submitter. Criteria: Invitae Variant Classification Sherloc (09022015). Collection method: clinical testing. Allele origin: germline.
Comment: This sequence change affects a donor splice site in intron 9 of the EGFR gene. It is expected to disrupt RNA splicing. Variants that disrupt the donor or acceptor splice site typically lead to a loss of protein function (PMID: 16199547), and loss-of-function variants in EGFR are known to be pathogenic (PMID: 7630400, 28726809, 29899996). In summary, the currently available evidence indicates that the variant is pathogenic, but additional data are needed to prove that conclusively. Therefore, this variant has been classified as Likely Pathogenic. Algorithms developed to predict the effect of sequence changes on RNA splicing suggest that this variant may disrupt the consensus splice site. ClinVar contains an entry for this variant (Variation ID: 1059940). This variant has not been reported in the literature in individuals affected with EGFR-related conditions. This variant is not present in population databases (ExAC no frequency).

Literature cited by the submitters: PubMed 16199547 (cited by Labcorp Genetics (formerly Invitae), Labcorp); PubMed 7630400 (cited by Labcorp Genetics (formerly Invitae), Labcorp); PubMed 28726809 (cited by Labcorp Genetics (formerly Invitae), Labcorp); PubMed 29899996 (cited by Labcorp Genetics (formerly Invitae), Labcorp).

NM_005228.5(EGFR):c.1133+1G>A

Genes: EGFR (epidermal growth factor receptor; plus strand), LOC126860048 (P300/CBP strongly-dependent group 1 enhancer GRCh37_chr7:55223847-55225046; plus strand). Cytogenetic location: 7p11.2.
Variant type: single nucleotide variant.
Coding change: c.1133+1G>A on transcript NM_005228.5 (MANE Select); the canonical splice donor site of the intron after coding-DNA position 1133, G replaced by A.
Molecular consequence: splice donor variant.
Genome position (GRCh38, 1-based): chr7:55,156,660, G>A. VCF-style: chr7-55156660-G-A. GRCh37 (hg19) VCF-style: chr7-55224353-G-A.
Other names: c.998+1G>A (NM_001346899.2, NM_001346897.2); c.332+1G>A (NM_001346941.2); c.1133+1G>A (NM_001346898.2, NM_201284.2, NM_201282.2 and 2 more transcripts); c.974+1G>A (NM_001346900.2).
Identifiers: ClinVar variation 1059940 (VCV001059940.8), dbSNP rs2128938466, ClinGen allele CA367578472.